The following is an entry in ClinVar:

ClinVar aggregate classification (germline): Benign/Likely benign. Review status: criteria provided, multiple submitters, no conflicts (2 of 4 stars). 3 submissions from 3 submitters: Benign (1); Likely benign (1). 1 of the submissions does not count toward it. Last evaluated 2024-12-12.

Conditions:
ROBO2-related disorder. Also called: ROBO2-related condition.
Vesicoureteral reflux 2 (VUR2). Identifiers: Orphanet 289365, MedGen C1970483, MONDO:0012573, OMIM 610878.

Allele frequency attached by ClinVar (database versions not stated): ESP Exome Variant Server 0.00008; gnomAD exomes 0.00009 and 0.00020; gnomAD 0.00010 and 0.00017; ExAC 0.00027; TOPMed 0.00035; 1000 Genomes Project 0.00040; 1000 Genomes Project 30x 0.00047.
gnomAD v4.1: 160 of 1,614,200 alleles (0.0099%); highest among the groups gnomAD compares: South Asian, 0.14%; no homozygotes.

Submissions (3):

Labcorp Genetics (formerly Invitae), Labcorp
Classification: Benign. Last evaluated: 2024-12-12. Review status: criteria provided, single submitter. Criteria: Invitae Variant Classification Sherloc (09022015). Collection method: clinical testing. Allele origin: germline.

Fulgent Genetics
Classification: Likely benign for Vesicoureteral reflux 2. Last evaluated: 2022-03-15. Review status: criteria provided, single submitter. Criteria: ACMG Guidelines, 2015. Collection method: clinical testing. Allele origin: unknown.

PreventionGenetics, part of Exact Sciences
Classification: Likely benign for ROBO2-related condition. Last evaluated: 2019-02-21. Review status: no assertion criteria provided. Collection method: clinical testing. Allele origin: germline. Not counted in ClinVar's aggregate classification.
Comment: This variant is classified as likely benign based on ACMG/AMP sequence variant interpretation guidelines (Richards et al. 2015 PMID: 25741868, with internal and published modifications).

NM_001395656.1(ROBO2):c.204G>A (p.Gly68=)

Gene: ROBO2 (roundabout guidance receptor 2; plus strand). Cytogenetic location: 3p12.3.
Variant type: single nucleotide variant.
Coding change: c.204G>A on transcript NM_001395656.1 (MANE Select); coding-DNA position 204, G replaced by A.
Protein change: p.Gly68=; no amino-acid change (glycine 68 retained).
Molecular consequence: synonymous variant. On other transcripts: 5 prime UTR variant (1).
Genome position (GRCh38, 1-based): chr3:77,098,156, G>A. VCF-style: chr3-77098156-G-A. GRCh37 (hg19) VCF-style: chr3-77147307-G-A.
Other names: c.252G>A, p.Gly84= (NM_001378191.1, NM_001378195.1, NM_001378196.1 and 5 more transcripts); c.273G>A, p.Gly91= (NM_001378192.1, NM_001378194.1, NM_001378198.1 and 5 more transcripts); c.204G>A, p.Gly68= (NM_001378193.1, NM_001378197.1, NM_001378202.1 and 3 more transcripts); c.-1715G>A (NM_001290065.2).
Identifiers: ClinVar variation 1601252 (VCV001601252.11), dbSNP rs201531318, ClinGen allele CA2496665.
Genomic context (GRCh38, chr3:77,098,156, plus strand): 5'-GACTCTGAACTGCAAGGCGGAGGGCCGGCCAACGCCCACCATTGAGTGGTACAAAGATGG[G>A]GAGCGAGTGGAGACTGACAAGGACGATCCCCGGTCCCACAGGATGCTTCTGCCCAGCGGA-3'
Protein context (NP_001382585.1, residues 58-78): PTPTIEWYKD[Gly68=]ERVETDKDDP